The following is an entry in ClinVar:

ClinVar aggregate classification (germline): Uncertain significance. Review status: criteria provided, multiple submitters, no conflicts (2 of 4 stars). 2 submissions from 2 submitters: Uncertain significance (2). Last evaluated 2024-08-08.

Allele frequency attached by ClinVar (database versions not stated): gnomAD 0.00002; ExAC 0.00031.
gnomAD v4.1: 105 of 1,550,444 alleles (0.0068%); highest among the groups gnomAD compares: South Asian, 0.033%; no homozygotes.

Submissions (2):

GeneDx
Classification: Uncertain significance. Last evaluated: 2024-08-08. Review status: criteria provided, single submitter. Criteria: GeneDx Variant Classification Process June 2021. Collection method: clinical testing. Allele origin: germline. Affected: yes.
Comment: In silico analysis indicates that this missense variant does not alter protein structure/function; Has not been previously published as pathogenic or benign to our knowledge

Labcorp Genetics (formerly Invitae), Labcorp
Classification: Uncertain significance. Last evaluated: 2023-04-26. Review status: criteria provided, single submitter. Criteria: Invitae Variant Classification Sherloc (09022015). Collection method: clinical testing. Allele origin: germline.
Comment: This sequence change replaces arginine, which is basic and polar, with histidine, which is basic and polar, at codon 2296 of the OTOG protein (p.Arg2296His). This variant is present in population databases (rs775261055, gnomAD 0.04%). This variant has not been reported in the literature in individuals affected with OTOG-related conditions. An algorithm developed to predict the effect of missense changes on protein structure and function (PolyPhen-2) suggests that this variant is likely to be disruptive. In summary, the available evidence is currently insufficient to determine the role of this variant in disease. Therefore, it has been classified as a Variant of Uncertain Significance.

NM_001292063.2(OTOG):c.6851G>A (p.Arg2284His)

Gene: OTOG (otogelin; plus strand). Cytogenetic location: 11p15.1.
Variant type: single nucleotide variant.
Coding change: c.6851G>A on transcript NM_001292063.2 (MANE Select); coding-DNA position 6851, G replaced by A.
Protein change: p.Arg2284His; replaces arginine 2284 with histidine.
Molecular consequence: missense variant.
Genome position (GRCh38, 1-based): chr11:17,631,840, G>A. VCF-style: chr11-17631840-G-A. GRCh37 (hg19) VCF-style: chr11-17653387-G-A.
Other names: c.6887G>A, p.Arg2296His (NM_001277269.2); c.6887G>A (NM_001277269.1); short protein forms R2284H, R2296H.
Identifiers: ClinVar variation 2888556 (VCV002888556.4), dbSNP rs775261055, ClinGen allele CA5906070.
Genomic context (GRCh38, chr11:17,631,840, plus strand): 5'-CCTTTCTGGACAGCTGGCAGGTGCCCAGCTCCCTGACCTCAGTGGGCCAGACCCGCTTCC[G>A]CCCAGACAGCTGCGCCACAACTGACTGCTCGCCCTGCCTTCGCATGGTGTCCAACCGCAC-3'
Protein context (NP_001278992.1, residues 2274-2294): SLTSVGQTRF[Arg2284His]PDSCATTDCS